The following is an entry in ClinVar:

NM_001292063.2(OTOG):c.7510G>A (p.Ala2504Thr)

Gene: OTOG (otogelin; plus strand). Cytogenetic location: 11p15.1.
Variant type: single nucleotide variant.
Coding change: c.7510G>A on transcript NM_001292063.2 (MANE Select); coding-DNA position 7510, G replaced by A.
Protein change: p.Ala2504Thr; replaces alanine 2504 with threonine.
Molecular consequence: missense variant.
Genome position (GRCh38, 1-based): chr11:17,634,873, G>A. VCF-style: chr11-17634873-G-A. GRCh37 (hg19) VCF-style: chr11-17656420-G-A.
Other names: c.7546G>A, p.Ala2516Thr (NM_001277269.2); short protein forms A2516T, A2504T.
Identifiers: ClinVar variation 227795 (VCV000227795.17), dbSNP rs548278514, ClinGen allele CA5906140.

ClinVar aggregate classification (germline): Conflicting classifications of pathogenicity. Review status: criteria provided, conflicting classifications (1 of 4 stars). 4 submissions from 4 submitters: Uncertain significance (1); Likely benign (3). Last evaluated 2025-11-27.

Conditions:
OTOG-related disorder. Also called: OTOG-related condition.

Allele frequency attached by ClinVar (database versions not stated): gnomAD exomes 0.00012 and 0.00023; ExAC 0.00014; 1000 Genomes Project 0.00080; 1000 Genomes Project 30x 0.00094; gnomAD 0.00116 and 0.00127; TOPMed 0.00127.
gnomAD v4.1: 341 of 1,475,916 alleles (0.023%); highest among the groups gnomAD compares: African/African-American, 0.37%; no homozygotes.

Submissions (4):

Labcorp Genetics (formerly Invitae), Labcorp
Classification: Likely benign. Last evaluated: 2025-11-27. Review status: criteria provided, single submitter. Criteria: Invitae Variant Classification Sherloc (09022015). Collection method: clinical testing. Allele origin: germline.

PreventionGenetics, part of Exact Sciences
Classification: Likely benign for OTOG-related condition. Last evaluated: 2025-07-15. Review status: criteria provided, single submitter. Criteria: ACMG Guidelines, 2015. Collection method: clinical testing. Allele origin: germline.
Comment: This variant is classified as likely benign based on ACMG/AMP sequence variant interpretation guidelines (Richards et al. 2015 PMID: 25741868, with internal and published modifications).

Eurofins Ntd Llc (ga)
Classification: Uncertain significance. Last evaluated: 2017-01-18. Review status: criteria provided, single submitter. Criteria: EGL Classification Definitions 2015. Collection method: clinical testing. Allele origin: germline. Observed: 1 variant allele, 1 heterozygote.

Laboratory for Molecular Medicine, Mass General Brigham Personalized Medicine
Classification: Likely benign. Last evaluated: 2016-02-23. Review status: criteria provided, single submitter. Criteria: LMM Criteria. Collection method: clinical testing. Allele origin: germline. Observed: 1 variant allele.
Comment: p.Ala2516Thr in exon 44 of OTOG: This variant is not expected to have clinical s ignificance due to a lack of conservation across species, including mammals, sug gesting that variants at this position are tolerated. Of note, 5 mammals (Bactri an camel, elephant shrew, oposum, Tasmanian devil, and wallaby) have a threonine (Thr) this position despite high nearby amino acid conservation. In addition, c omputational prediction tools do not suggest a high likelihood of impact to the protein. The variant has been reported in 2/802 African chromosomes by the Exome Aggregate Consortium (ExAC; dbSNP rs548278514) .